The following is an entry in ClinVar:

NM_002471.4(MYH6):c.4666G>C (p.Glu1556Gln)

Genes: MYH6 (myosin heavy chain 6; minus strand), LOC126861896 (BRD4-independent group 4 enhancer GRCh37_chr14:23854904-23856103; plus strand). Cytogenetic location: 14q11.2.
Variant type: single nucleotide variant.
Coding change: c.4666G>C on transcript NM_002471.4 (MANE Select); coding-DNA position 4666, G replaced by C.
Protein change: p.Glu1556Gln; replaces glutamic acid 1556 with glutamine.
Molecular consequence: missense variant.
Genome position (GRCh38, 1-based): chr14:23,386,608, C>G on the plus strand (G>C on the coding strand, the complement: MYH6 is on the minus strand). VCF-style: chr14-23386608-C-G. GRCh37 (hg19) VCF-style: chr14-23855817-C-G.
Other names: short protein forms E1556Q.
Identifiers: ClinVar variation 4075472 (VCV004075472.1).
Genomic context (GRCh38, chr14:23,386,608, plus strand): 5'-GCTCGATCTCTGCCTTGATCTGGTTGAACTCTAGCTGGGCCCGGAGGATCTTGCCCTCCT[C>G]GTGCTCCAGGGAGGCCTGGGAAGGGGTGGGGCGAGGGCGGGCAGACAGGGCACAGGGCAG-3'
Protein context (NP_002462.2, residues 1546-1566): LEEAEASLEH[Glu1556Gln]EGKILRAQLE

ClinVar aggregate classification (germline): Uncertain significance (1 of 4 stars; one submission).

Submission:

GeneDx
Classification: Uncertain significance. Last evaluated: 2025-02-17. Review status: criteria provided, single submitter. Criteria: GeneDx Variant Classification Process June 2021. Collection method: clinical testing. Allele origin: germline. Affected: yes.
Comment: Not observed at significant frequency in large population cohorts (gnomAD); In silico analysis indicates that this missense variant does not alter protein structure/function; Has not been previously published as pathogenic or benign to our knowledge